The following is an entry in ClinVar:

NM_001267550.2(TTN):c.5645G>A (p.Arg1882His)

Gene: TTN (titin; minus strand). Cytogenetic location: 2q31.2.
Variant type: single nucleotide variant.
Coding change: c.5645G>A on transcript NM_001267550.2 (MANE Select); coding-DNA position 5645, G replaced by A.
Protein change: p.Arg1882His; replaces arginine 1882 with histidine.
Molecular consequence: missense variant.
Genome position (GRCh38, 1-based): chr2:178,776,219, C>T on the plus strand (G>A on the coding strand, the complement: TTN is on the minus strand). VCF-style: chr2-178776219-C-T. GRCh37 (hg19) VCF-style: chr2-179640946-C-T.
Other names: c.5645G>A, p.Arg1882His (NM_001256850.1, NM_133378.4, NM_133379.5); c.5507G>A, p.Arg1836His (NM_003319.4, NM_133432.3, NM_133437.4); c.5645G>A (NM_001267550.1); short protein forms R1882H, R1836H.
Identifiers: ClinVar variation 502088 (VCV000502088.25), dbSNP rs374605213, ClinGen allele CA2005152.

ClinVar aggregate classification (germline): Conflicting classifications of pathogenicity. Review status: criteria provided, conflicting classifications (1 of 4 stars). 5 submissions from 5 submitters: Uncertain significance (3); Likely benign (2). Last evaluated 2025-02-05.

Allele frequency attached by ClinVar (database versions not stated): gnomAD exomes 0.00004 and 0.00006; ExAC 0.00005; TOPMed 0.00014; ESP Exome Variant Server 0.00015; gnomAD 0.00018 and 0.00019.
gnomAD v4.1: 84 of 1,613,996 alleles (0.0052%); highest among the groups gnomAD compares: Admixed American, 0.032%; 1 homozygote.

Submissions (5):

Athena Diagnostics
Classification: Uncertain significance. Last evaluated: 2025-02-05. Review status: criteria provided, single submitter. Criteria: Athena Diagnostics Criteria. Collection method: clinical testing. Allele origin: unknown.
Comment: Available data are insufficient to determine the clinical significance of the variant at this time. The frequency of this variant in the general population is uninformative in assessment of its pathogenicity. Polyphen and MutationTaster predict this amino acid change may be benign.

Blueprint Genetics
Classification: Likely benign. Last evaluated: 2024-07-08. Review status: criteria provided, single submitter. Criteria: ACMG Guidelines, 2015. Collection method: clinical testing. Allele origin: germline.

Revvity Omics, Revvity
Classification: Uncertain significance. Last evaluated: 2019-12-30. Review status: criteria provided, single submitter. Criteria: ACMG Guidelines, 2015. Collection method: clinical testing. Allele origin: germline.

GeneDx
Classification: Likely benign. Last evaluated: 2018-07-17. Review status: criteria provided, single submitter. Criteria: GeneDx Variant Classification Process June 2021. Collection method: clinical testing. Allele origin: germline. Affected: yes.
Comment: This variant is associated with the following publications: (PMID: 28255936)

Eurofins Ntd Llc (ga)
Classification: Uncertain significance. Last evaluated: 2017-05-23. Review status: criteria provided, single submitter. Criteria: EGL Classification Definitions 2015. Collection method: clinical testing. Allele origin: germline. Observed: 1 variant allele, 1 heterozygote.

Literature cited by the submitters: PubMed 28255936 (cited by Athena Diagnostics).